The following is an entry in ClinVar:

NM_002439.5(MSH3):c.3145G>A (p.Val1049Ile)

Gene: MSH3 (mutS homolog 3; plus strand). Cytogenetic location: 5q14.1.
Variant type: single nucleotide variant.
Coding change: c.3145G>A on transcript NM_002439.5 (MANE Select); coding-DNA position 3145, G replaced by A.
Protein change: p.Val1049Ile; replaces valine 1049 with isoleucine.
Molecular consequence: missense variant.
Genome position (GRCh38, 1-based): chr5:80,873,130, G>A. VCF-style: chr5-80873130-G-A. GRCh37 (hg19) VCF-style: chr5-80168949-G-A.
Other names: short protein forms V1049I.
Identifiers: ClinVar variation 5024837 (VCV005024837.1).

ClinVar aggregate classification (germline): Uncertain significance (1 of 4 stars; one submission).

Conditions:
Hereditary cancer-predisposing syndrome. Also called: Neoplastic Syndromes, Hereditary; Tumor predisposition; Hereditary neoplastic syndrome; Hereditary Cancer Syndrome. Identifiers: Orphanet 140162, MedGen C0027672, MeSH D009386, MONDO:0015356.

Submission:

Ambry Genetics
Classification: Uncertain significance for Hereditary cancer-predisposing syndrome. Last evaluated: 2026-08-28. Review status: criteria provided, single submitter. Criteria: Ambry Variant Classification Scheme 2023. Collection method: clinical testing. Allele origin: germline.
Comment: The p.V1049I variant (also known as c.3145G>A), located in coding exon 23 of the MSH3 gene, results from a G to A substitution at nucleotide position 3145. The valine at codon 1049 is replaced by isoleucine, an amino acid with highly similar properties. This amino acid position is conserved. In addition, this alteration is predicted to be tolerated by in silico analysis. Based on the available evidence, the clinical significance of this variant remains unclear.